The following is an entry in ClinVar:

ClinVar aggregate classification (germline): Uncertain significance (1 of 4 stars; one submission).

Submission:

GeneDx
Classification: Uncertain significance. Last evaluated: 2024-08-21. Review status: criteria provided, single submitter. Criteria: GeneDx Variant Classification Process June 2021. Collection method: clinical testing. Allele origin: germline. Affected: yes.
Comment: Not observed at significant frequency in large population cohorts (gnomAD); In silico analysis indicates that this missense variant does not alter protein structure/function; Has not been previously published as pathogenic or benign to our knowledge

NM_005120.3(MED12):c.4762G>C (p.Val1588Leu)

Gene: MED12 (mediator complex subunit 12; plus strand). Cytogenetic location: Xq13.1.
Variant type: single nucleotide variant.
Coding change: c.4762G>C on transcript NM_005120.3 (MANE Select); coding-DNA position 4762, G replaced by C.
Protein change: p.Val1588Leu; replaces valine 1588 with leucine.
Molecular consequence: missense variant.
Genome position (GRCh38, 1-based): chrX:71,134,747, G>C. VCF-style: chrX-71134747-G-C. GRCh37 (hg19) VCF-style: chrX-70354597-G-C.
Other names: short protein forms V1588L.
Identifiers: ClinVar variation 3764472 (VCV003764472.1).
Genomic context (GRCh38, chrX:71,134,747, plus strand): 5'-GTTTTCTCTCTGGCTTCCTGTCTCAGTGAGCTCTTCACTACTGTGTTGGACATGCTGAGC[G>C]TGCTCATCAATGGGACATTGGCTGCAGACATGTCTAGCATCTCGCAAGGTAGCATGGAGG-3'
Protein context (NP_005111.2, residues 1578-1598): LFTTVLDMLS[Val1588Leu]LINGTLAADM